The following is an entry in ClinVar:

ClinVar aggregate classification (germline): Uncertain significance (1 of 4 stars; one submission).

Submission:

Mayo Clinic Laboratories, Mayo Clinic
Classification: Uncertain significance. Last evaluated: 2023-12-29. Review status: criteria provided, single submitter. Criteria: ACMG Guidelines, 2015. Collection method: clinical testing. Allele origin: germline. Observed: 1 variant allele.
Comment: PM2_moderate

Literature cited by the submitters: PubMed 35142155.

NM_001724.5(BPGM):c.115C>T (p.Arg39Trp)

Gene: BPGM (bisphosphoglycerate mutase; plus strand). Cytogenetic location: 7q33.
Variant type: single nucleotide variant.
Coding change: c.115C>T on transcript NM_001724.5 (MANE Select); coding-DNA position 115, C replaced by T.
Protein change: p.Arg39Trp; replaces arginine 39 with tryptophan.
Molecular consequence: missense variant.
Genome position (GRCh38, 1-based): chr7:134,661,622, C>T. VCF-style: chr7-134661622-C-T. GRCh37 (hg19) VCF-style: chr7-134346374-C-T.
Other names: p.Arg39Trp; c.115C>T, p.Arg39Trp (NM_001293085.2, NM_199186.3); short protein forms R39W.
Identifiers: ClinVar variation 3379791 (VCV003379791.1).